The following is an entry in ClinVar:

ClinVar aggregate classification (germline): Pathogenic (1 of 4 stars; one submission).

Submission:

Quest Diagnostics Nichols Institute San Juan Capistrano
Classification: Pathogenic. Last evaluated: 2022-02-16. Review status: criteria provided, single submitter. Criteria: ACMG/ClinGen CNV Guidelines, 2019. Collection method: clinical testing. Allele origin: unknown.
Comment: This imbalance is expected to cause phenotypic and/or developmental abnormalities. The loss of 2p16.3 involves multiple exons of the NRXN1 gene at the 5' region. This genomic loss may predispose to a wide spectrum of developmental disorders (Al Shehhi et al., Eur J Med Genet. 2018 Jul 18. Pii: S1769-7212(18)30079-X., PMID: 30031152; Ching et al., Am J Med Genet B Neuropsychiatr Genet. 2010 Jun5;153B(4):937-47, PMID: 20468056). Most individuals with NRXN1 exonic deletions have developmental delay (particularly speech), abnormal behaviors, and mild dysmorphic features. In a cohort of over 20 individuals with NRXN1 exonic deletions, autism spectrum disorders were diagnosed in 43% (10/23), and 16% (4/25) had epilepsy (Dabell MP, et al., Am J Med Genet A. 2013 Apr;161A(4):717-31; PMID:23495017). Data from a recent study evaluating NRXN1 deletions suggests partial deletions near the 5' end have a higher penetrance related to the expression of neurodevelopmental phenotypes compared to those at the 3' end (Lowther et al. Genet Med. 2017Jan;19(1):53-61. PMID: 27195815).

GRCh37/hg19 2p16.3(chr2:51085470-51400479)x1

Gene: NRXN1 (neurexin 1; minus strand). Cytogenetic location: 2p16.3.
Variant type: copy number loss.
Change: copy number 1 (one copy instead of two) of chr2:51,085,470-51,400,479 (315.0 kb, GRCh37 coordinates, 1-based), cytogenetic band 2p16.3.
Identifiers: ClinVar variation 1808732 (VCV001808732.1).